The following is an entry in ClinVar:

ClinVar aggregate classification (germline): Uncertain significance. Review status: criteria provided, multiple submitters, no conflicts (2 of 4 stars). 2 submissions from 2 submitters: Uncertain significance (2). Last evaluated 2025-01-23.

Conditions:
Inborn genetic diseases. Identifiers: MedGen C0950123, MeSH D030342.

gnomAD v4.1: 342 of 1,613,600 alleles (0.021%); highest among the groups gnomAD compares: Non-Finnish European, 0.028%; no homozygotes.

Submissions (2):

Ambry Genetics
Classification: Uncertain significance for Inborn genetic diseases. Last evaluated: 2025-01-23. Review status: criteria provided, single submitter. Criteria: Ambry Variant Classification Scheme 2023. Collection method: clinical testing. Allele origin: germline.

Labcorp Genetics (formerly Invitae), Labcorp
Classification: Uncertain significance. Last evaluated: 2024-03-08. Review status: criteria provided, single submitter. Criteria: Invitae Variant Classification Sherloc (09022015). Collection method: clinical testing. Allele origin: germline.
Comment: This sequence change replaces asparagine, which is neutral and polar, with lysine, which is basic and polar, at codon 2635 of the VPS13A protein (p.Asn2635Lys). This variant is present in population databases (rs117591510, gnomAD 0.01%). This variant has not been reported in the literature in individuals affected with VPS13A-related conditions. An algorithm developed to predict the effect of missense changes on protein structure and function (PolyPhen-2) suggests that this variant is likely to be tolerated. In summary, the available evidence is currently insufficient to determine the role of this variant in disease. Therefore, it has been classified as a Variant of Uncertain Significance.

NM_033305.3(VPS13A):c.7905C>G (p.Asn2635Lys)

Gene: VPS13A (vacuolar protein sorting 13 homolog A; plus strand). Cytogenetic location: 9q21.2.
Variant type: single nucleotide variant.
Coding change: c.7905C>G on transcript NM_033305.3 (MANE Select); coding-DNA position 7905, C replaced by G.
Protein change: p.Asn2635Lys; replaces asparagine 2635 with lysine.
Molecular consequence: missense variant.
Genome position (GRCh38, 1-based): chr9:77,357,790, C>G. VCF-style: chr9-77357790-C-G. GRCh37 (hg19) VCF-style: chr9-79972706-C-G.
Other names: c.7905C>G (NM_033305.2); c.7788C>G, p.Asn2596Lys (NM_001018037.2); c.7905C>G, p.Asn2635Lys (NM_001018038.3, NM_015186.4); short protein forms N2596K, N2635K.
Identifiers: ClinVar variation 3705200 (VCV003705200.3).